The following is an entry in ClinVar:

NM_001035.3(RYR2):c.10017C>A (p.His3339Gln)

Gene: RYR2 (ryanodine receptor 2; plus strand). Cytogenetic location: 1q43.
Variant type: single nucleotide variant.
Coding change: c.10017C>A on transcript NM_001035.3 (MANE Select); coding-DNA position 10017, C replaced by A.
Protein change: p.His3339Gln; replaces histidine 3339 with glutamine.
Molecular consequence: missense variant.
Genome position (GRCh38, 1-based): chr1:237,708,973, C>A. VCF-style: chr1-237708973-C-A. GRCh37 (hg19) VCF-style: chr1-237872273-C-A.
Other names: short protein forms H3339Q.
Identifiers: ClinVar variation 1990844 (VCV001990844.5), dbSNP rs376439588, ClinGen allele CA345410668.

ClinVar aggregate classification (germline): Uncertain significance. Review status: criteria provided, multiple submitters, no conflicts (2 of 4 stars). 2 submissions from 2 submitters: Uncertain significance (2). Last evaluated 2023-03-09.

Conditions:
Catecholaminergic polymorphic ventricular tachycardia (CVPT). Also called: Catecholamine-induced polymorphic ventricular tachycardia. Identifiers: Orphanet 3286, MedGen C5574922, MONDO:0017990.
Catecholaminergic polymorphic ventricular tachycardia 1. Also called: VENTRICULAR TACHYCARDIA, CATECHOLAMINERGIC POLYMORPHIC, 1, WITH OR WITHOUT ATRIAL DYSFUNCTION AND/OR DILATED CARDIOMYOPATHY; RYR2-Related Catecholaminergic Polymorphic Ventricular Tachycardia; VENTRICULAR TACHYCARDIA, STRESS-INDUCED POLYMORPHIC 1. Identifiers: Orphanet 3286, MedGen C1631597, MONDO:0011484, OMIM 604772.

Submissions (2):

All of Us Research Program, National Institutes of Health
Classification: Uncertain significance for Catecholaminergic polymorphic ventricular tachycardia. Last evaluated: 2023-03-09. Review status: criteria provided, single submitter. Criteria: ACMG Guidelines, 2015. Collection method: clinical testing. Allele origin: germline. Inheritance: Autosomal dominant inheritance. Observed: 1 variant allele, 1 heterozygote.
Comment: This missense variant replaces histidine with glutamine at codon 3339 of the RYR2 protein. Computational prediction is inconclusive regarding the impact of this variant on protein structure and function (internally defined REVEL score threshold 0.5 < inconclusive < 0.7, PMID: 27666373). To our knowledge, functional studies have not been reported for this variant. This variant has not been reported in individuals affected with RYR2-related disorders in the literature. This variant has not been identified in the general population by the Genome Aggregation Database (gnomAD). The available evidence is insufficient to determine the role of this variant in disease conclusively. Therefore, this variant is classified as a Variant of Uncertain Significance.

This study involves interpretation of variants in research participants for the purpose of population health screening. Participant phenotype was not available at the time of variant classification. Additional details can be found in publication PMID: 35346344, PMCID: PMC8962531

Labcorp Genetics (formerly Invitae), Labcorp
Classification: Uncertain significance for Catecholaminergic polymorphic ventricular tachycardia 1. Last evaluated: 2022-03-29. Review status: criteria provided, single submitter. Criteria: Invitae Variant Classification Sherloc (09022015). Collection method: clinical testing. Allele origin: germline.
Comment: In summary, the available evidence is currently insufficient to determine the role of this variant in disease. Therefore, it has been classified as a Variant of Uncertain Significance. Advanced modeling of protein sequence and biophysical properties (such as structural, functional, and spatial information, amino acid conservation, physicochemical variation, residue mobility, and thermodynamic stability) performed at Invitae indicates that this missense variant is not expected to disrupt RYR2 protein function. This variant has not been reported in the literature in individuals affected with RYR2-related conditions. This variant is not present in population databases (gnomAD no frequency). This sequence change replaces histidine, which is basic and polar, with glutamine, which is neutral and polar, at codon 3339 of the RYR2 protein (p.His3339Gln).